The following is an entry in ClinVar:

NM_000400.4(ERCC2):c.719-3C>G

Gene: ERCC2 (ERCC excision repair 2, TFIIH core complex helicase subunit; minus strand). Cytogenetic location: 19q13.32.
Variant type: single nucleotide variant.
Coding change: c.719-3C>G on transcript NM_000400.4 (MANE Select); 3 bases into the intron before coding-DNA position 719, C replaced by G.
Molecular consequence: intron variant.
Genome position (GRCh38, 1-based): chr19:45,364,334, G>C on the plus strand (C>G on the coding strand, the complement: ERCC2 is on the minus strand). VCF-style: chr19-45364334-G-C. GRCh37 (hg19) VCF-style: chr19-45867592-G-C.
Other names: c.596-3C>G (NM_001440357.1); c.641-3C>G (NM_001440356.1); c.647-3C>G (NM_001440355.1, NM_001130867.2).
Identifiers: ClinVar variation 4752707 (VCV004752707.1).

ClinVar aggregate classification (germline): Uncertain significance (1 of 4 stars; one submission).

Submission:

Labcorp Genetics (formerly Invitae), Labcorp
Classification: Uncertain significance. Last evaluated: 2025-08-11. Review status: criteria provided, single submitter. Criteria: Invitae Variant Classification Sherloc (09022015). Collection method: clinical testing. Allele origin: germline.
Comment: This sequence change falls in intron 8 of the ERCC2 gene. It does not directly change the encoded amino acid sequence of the ERCC2 protein. It affects a nucleotide within the consensus splice site. This variant is not present in population databases (gnomAD no frequency). This variant has not been reported in the literature in individuals affected with ERCC2-related conditions. Variants that disrupt the consensus splice site are a relatively common cause of aberrant splicing (PMID: 17576681, 9536098). Algorithms developed to predict the effect of sequence changes on RNA splicing suggest that this variant may disrupt the consensus splice site. In summary, the available evidence is currently insufficient to determine the role of this variant in disease. Therefore, it has been classified as a Variant of Uncertain Significance.

Literature cited by the submitters: PubMed 17576681; PubMed 9536098.